The following is an entry in ClinVar:

NM_004415.4(DSP):c.8199G>C (p.Thr2733=)

Gene: DSP (desmoplakin; plus strand). Cytogenetic location: 6p24.3.
Variant type: single nucleotide variant.
Coding change: c.8199G>C on transcript NM_004415.4 (MANE Select); coding-DNA position 8199, G replaced by C.
Protein change: p.Thr2733=; no amino-acid change (threonine 2733 retained).
Molecular consequence: synonymous variant.
Genome position (GRCh38, 1-based): chr6:7,585,461, G>C. VCF-style: chr6-7585461-G-C. GRCh37 (hg19) VCF-style: chr6-7585694-G-C.
Other names: c.8199G>C (NM_004415.3, LRG_423t1); c.6402G>C, p.Thr2134= (NM_001008844.3); c.6870G>C, p.Thr2290= (NM_001319034.2).
Identifiers: ClinVar variation 413274 (VCV000413274.37), dbSNP rs145085696, ClinGen allele CA051736.

ClinVar aggregate classification (germline): Likely benign. Review status: criteria provided, multiple submitters, no conflicts (2 of 4 stars). 8 submissions from 8 submitters: Likely benign (7). 1 of the submissions does not count toward it. Last evaluated 2026-01-11.

Conditions:
DSP-related disorder. Also called: DSP-related disorders; DSP-related condition.
Cardiovascular phenotype. Identifiers: MedGen CN230736.
Cardiomyopathy (CMYO). Also called: Cardiomyopathies. Identifiers: Orphanet 167848, MedGen C0878544, MONDO:0004994, HP:0001638. Inheritance: Various modes of inheritance.
Arrhythmogenic cardiomyopathy with wooly hair and keratoderma. Also called: PALMOPLANTAR KERATODERMA WITH LEFT VENTRICULAR CARDIOMYOPATHY AND WOOLLY HAIR; Dilated cardiomyopathy with woolly hair and keratoderma; Arrhythmogenic cardiomyopathy with woolly hair and keratoderma; Carvajal syndrome. Identifiers: Orphanet 65282, MedGen C1854063, MONDO:0011581, OMIM 605676.
Arrhythmogenic right ventricular dysplasia 8 (ARVD8). Also called: Arrhythmogenic Right Ventricular Dysplasia/Cardiomyopathy 8; ARRHYTHMOGENIC RIGHT VENTRICULAR CARDIOMYOPATHY 8; ARRHYTHMOGENIC RIGHT VENTRICULAR DYSPLASIA, FAMILIAL, 8. Identifiers: MedGen C1843896, MONDO:0011831, OMIM 607450.

Allele frequency attached by ClinVar (database versions not stated): ESP Exome Variant Server 0.00015; gnomAD exomes 0.00016; ExAC 0.00017; gnomAD 0.00036 and 0.00037; 1000 Genomes Project 30x 0.00047; 1000 Genomes Project 0.00060; TOPMed 0.00086.
gnomAD v4.1: 302 of 1,614,158 alleles (0.019%); highest among the groups gnomAD compares: Admixed American, 0.097%; no homozygotes.

Submissions (8):

Labcorp Genetics (formerly Invitae), Labcorp
Classification: Likely benign for Arrhythmogenic cardiomyopathy with wooly hair and keratoderma; Arrhythmogenic right ventricular dysplasia 8. Last evaluated: 2026-01-11. Review status: criteria provided, single submitter. Criteria: Invitae Variant Classification Sherloc (09022015). Collection method: clinical testing. Allele origin: germline.

All of Us Research Program, National Institutes of Health
Classification: Likely benign for Arrhythmogenic cardiomyopathy with wooly hair and keratoderma. Last evaluated: 2024-02-05. Review status: criteria provided, single submitter. Criteria: ACMG Guidelines, 2015. Collection method: clinical testing. Allele origin: germline. Inheritance: Autosomal dominant inheritance. Observed: 61 variant alleles, 61 heterozygotes.
Comment: This study involves interpretation of variants in research participants for the purpose of population health screening. Participant phenotype was not available at the time of variant classification. Additional details can be found in publication PMID: 35346344, PMCID: PMC8962531

Blueprint Genetics
Classification: Likely benign. Last evaluated: 2021-11-19. Review status: criteria provided, single submitter. Criteria: ACMG Guidelines, 2015. Collection method: clinical testing. Allele origin: germline.

GeneDx
Classification: Likely benign. Last evaluated: 2020-11-30. Review status: criteria provided, single submitter. Criteria: GeneDx Variant Classification Process June 2021. Collection method: clinical testing. Allele origin: germline. Affected: yes.

Ambry Genetics
Classification: Likely benign for Cardiovascular phenotype. Last evaluated: 2019-12-02. Review status: criteria provided, single submitter. Criteria: Ambry Variant Classification Scheme 2023. Collection method: clinical testing. Allele origin: germline.

Color Diagnostics, LLC DBA Color Health
Classification: Likely benign for Cardiomyopathy. Last evaluated: 2018-10-22. Review status: criteria provided, single submitter. Criteria: ACMG Guidelines, 2015. Collection method: clinical testing. Allele origin: germline.

Laboratory for Molecular Medicine, Mass General Brigham Personalized Medicine
Classification: Likely benign. Last evaluated: 2012-03-19. Review status: criteria provided, single submitter. Criteria: LMM Criteria. Collection method: clinical testing. Allele origin: germline. Observed: 1 variant allele.
Comment: p.Thr2733Thr in Exon 24 of DSP: This variant is not expected to have clinical si gnificance because it does not alter an amino acid residue, is not located withi n the splice consensus sequence. It has been identified in 1/3738 African Americ an chromosomes from a broad population by the NHLBI Exome Sequencing Project (dbSNP rs145085696).

PreventionGenetics, part of Exact Sciences
Classification: Likely benign for DSP-related condition. Last evaluated: 2023-10-17. Review status: no assertion criteria provided. Collection method: clinical testing. Allele origin: germline. Not counted in ClinVar's aggregate classification.
Comment: This variant is classified as likely benign based on ACMG/AMP sequence variant interpretation guidelines (Richards et al. 2015 PMID: 25741868, with internal and published modifications).